The following is an entry in ClinVar:

ClinVar aggregate classification (germline): Uncertain significance (1 of 4 stars; one submission).

Submission:

GeneDx
Classification: Uncertain significance. Last evaluated: 2022-02-21. Review status: criteria provided, single submitter. Criteria: GeneDx Variant Classification Process June 2021. Collection method: clinical testing. Allele origin: germline. Affected: yes.
Comment: Not observed at significant frequency in large population cohorts (gnomAD); In silico analysis supports that this missense variant does not alter protein structure/function; Has not been previously published as pathogenic or benign to our knowledge

NM_017636.4(TRPM4):c.3298C>A (p.Gln1100Lys)

Gene: TRPM4 (transient receptor potential cation channel subfamily M member 4; plus strand). Cytogenetic location: 19q13.33.
Variant type: single nucleotide variant.
Coding change: c.3298C>A on transcript NM_017636.4 (MANE Select); coding-DNA position 3298, C replaced by A.
Protein change: p.Gln1100Lys; replaces glutamine 1100 with lysine.
Molecular consequence: missense variant.
Genome position (GRCh38, 1-based): chr19:49,210,375, C>A. VCF-style: chr19-49210375-C-A. GRCh37 (hg19) VCF-style: chr19-49713632-C-A.
Other names: c.2863C>A, p.Gln955Lys (NM_001195227.2); c.2953C>A, p.Gln985Lys (NM_001321281.2); c.1690C>A, p.Gln564Lys (NM_001321282.2); c.2776C>A, p.Gln926Lys (NM_001321283.2); c.2236C>A, p.Gln746Lys (NM_001321285.2); short protein forms Q1100K, Q564K, Q746K, Q926K, Q955K, Q985K.
Identifiers: ClinVar variation 1702560 (VCV001702560.2), dbSNP rs1324635536, ClinGen allele CA406772139.